The following is an entry in ClinVar:

NM_182760.4(SUMF1):c.8C>T (p.Ala3Val)

Gene: SUMF1 (sulfatase modifying factor 1; minus strand). Cytogenetic location: 3p26.1.
Variant type: single nucleotide variant.
Coding change: c.8C>T on transcript NM_182760.4 (MANE Select); coding-DNA position 8, C replaced by T.
Protein change: p.Ala3Val; replaces alanine 3 with valine.
Molecular consequence: missense variant.
Genome position (GRCh38, 1-based): chr3:4,467,238, G>A on the plus strand (C>T on the coding strand, the complement: SUMF1 is on the minus strand). VCF-style: chr3-4467238-G-A. GRCh37 (hg19) VCF-style: chr3-4508922-G-A.
Other names: c.8C>T, p.Ala3Val (NM_001164674.2, NM_001164675.2); short protein forms A3V.
Identifiers: ClinVar variation 1389858 (VCV001389858.8), dbSNP rs996881272, ClinGen allele CA69311576.
Genomic context (GRCh38, chr3:4,467,238, plus strand): 5'-AGCAGCAAGAGGACGAGACCCAGCTCAGGGCAACGTCCACACACCAGCCCTAGTGCGGGC[G>A]CAGCCATGTTGTCCCGCGGGCCATGTGACCCGGTTGGTCACGTGGCTGAGCCCTCCTTAA-3'
Protein context (NP_877437.2, residues 1-13): MA[Ala3Val]PALGLVCGRC

ClinVar aggregate classification (germline): Uncertain significance (1 of 4 stars; one submission).

Conditions:
Multiple sulfatase deficiency (MSD). Also called: Mucosulfatidosis; Multiple Sulfatase Deficiency Disease; Sulfatidosis, Juvenile, Austin Type. Identifiers: Orphanet 585, MedGen C0268263, MONDO:0010088, OMIM 272200.

Allele frequency attached by ClinVar (database versions not stated): gnomAD exomes 0.00001.
gnomAD v4.1: 8 of 1,608,630 alleles (0.0005%); highest among the groups gnomAD compares: South Asian, 0.0011%; no homozygotes.

Submission:

Labcorp Genetics (formerly Invitae), Labcorp
Classification: Uncertain significance for Multiple sulfatase deficiency. Last evaluated: 2023-07-06. Review status: criteria provided, single submitter. Criteria: Invitae Variant Classification Sherloc (09022015). Collection method: clinical testing. Allele origin: germline.
Comment: In summary, the available evidence is currently insufficient to determine the role of this variant in disease. Therefore, it has been classified as a Variant of Uncertain Significance. Advanced modeling of protein sequence and biophysical properties (such as structural, functional, and spatial information, amino acid conservation, physicochemical variation, residue mobility, and thermodynamic stability) has been performed at Invitae for this missense variant, however the output from this modeling did not meet the statistical confidence thresholds required to predict the impact of this variant on SUMF1 protein function. ClinVar contains an entry for this variant (Variation ID: 1389858). This variant has not been reported in the literature in individuals affected with SUMF1-related conditions. The frequency data for this variant in the population databases is considered unreliable, as metrics indicate poor data quality at this position in the gnomAD database. This sequence change replaces alanine, which is neutral and non-polar, with valine, which is neutral and non-polar, at codon 3 of the SUMF1 protein (p.Ala3Val).